The following is an entry in ClinVar:

ClinVar aggregate classification (germline): Uncertain significance. Review status: criteria provided, multiple submitters, no conflicts (2 of 4 stars). 2 submissions from 2 submitters: Uncertain significance (2). Last evaluated 2024-06-24.

Allele frequency attached by ClinVar (database versions not stated): gnomAD 0.00002; gnomAD exomes 0.00002 and 0.00003; ExAC 0.00003; TOPMed 0.00003; ESP Exome Variant Server 0.00008.
gnomAD v4.1: 38 of 1,614,058 alleles (0.0024%); highest among the groups gnomAD compares: Admixed American, 0.0033%; no homozygotes.

Submissions (2):

Women's Health and Genetics/Laboratory Corporation of America, LabCorp
Classification: Uncertain significance. Last evaluated: 2024-06-24. Review status: criteria provided, single submitter. Criteria: LabCorp Variant Classification Summary - May 2015. Collection method: clinical testing. Allele origin: germline.

Labcorp Genetics (formerly Invitae), Labcorp
Classification: Uncertain significance. Last evaluated: 2021-08-16. Review status: criteria provided, single submitter. Criteria: Invitae Variant Classification Sherloc (09022015). Collection method: clinical testing. Allele origin: germline.
Comment: This sequence change falls in intron 23 of the CUL7 gene. It does not directly change the encoded amino acid sequence of the CUL7 protein. It affects a nucleotide within the consensus splice site of the intron. This variant is present in population databases (rs368643336, ExAC 0.009%). This variant has not been reported in the literature in individuals affected with CUL7-related conditions. Variants that disrupt the consensus splice site are a relatively common cause of aberrant splicing (PMID: 17576681, 9536098). Algorithms developed to predict the effect of sequence changes on RNA splicing suggest that this variant is not likely to affect RNA splicing. In summary, the available evidence is currently insufficient to determine the role of this variant in disease. Therefore, it has been classified as a Variant of Uncertain Significance.

Literature cited by the submitters: PubMed 17576681 (cited by Labcorp Genetics (formerly Invitae), Labcorp); PubMed 9536098 (cited by Labcorp Genetics (formerly Invitae), Labcorp).

NM_014780.5(CUL7):c.4440+3G>A

Gene: CUL7 (cullin 7; minus strand). Cytogenetic location: 6p21.1.
Variant type: single nucleotide variant.
Coding change: c.4440+3G>A on transcript NM_014780.5 (MANE Select); 3 bases into the intron after coding-DNA position 4440, G replaced by A.
Molecular consequence: intron variant.
Genome position (GRCh38, 1-based): chr6:43,038,839, C>T on the plus strand (G>A on the coding strand, the complement: CUL7 is on the minus strand). VCF-style: chr6-43038839-C-T. GRCh37 (hg19) VCF-style: chr6-43006577-C-T.
Other names: c.4536+3G>A (NM_001168370.2, NM_001374872.1); c.4437+3G>A (NM_001374874.1); c.4440+3G>A (NM_001374873.1).
Identifiers: ClinVar variation 1370794 (VCV001370794.4), dbSNP rs368643336, ClinGen allele CA3813218.